The following is an entry in ClinVar:

NM_006087.4(TUBB4A):c.1078G>C (p.Gly360Arg)

Gene: TUBB4A (tubulin beta 4A class IVa; minus strand). Cytogenetic location: 19p13.3.
Variant type: single nucleotide variant.
Coding change: c.1078G>C on transcript NM_006087.4 (MANE Select); coding-DNA position 1078, G replaced by C.
Protein change: p.Gly360Arg; replaces glycine 360 with arginine.
Molecular consequence: missense variant.
Genome position (GRCh38, 1-based): chr19:6,495,421, C>G on the plus strand (G>C on the coding strand, the complement: TUBB4A is on the minus strand). VCF-style: chr19-6495421-C-G. GRCh37 (hg19) VCF-style: chr19-6495432-C-G.
Other names: c.1231G>C, p.Gly411Arg (NM_001289123.2); c.1213G>C, p.Gly405Arg (NM_001289127.2); c.1078G>C, p.Gly360Arg (NM_001289129.2); c.862G>C, p.Gly288Arg (NM_001289130.2, NM_001289131.2); short protein forms G405R, G411R, G288R, G360R.
Identifiers: ClinVar variation 2834880 (VCV002834880.3), dbSNP rs1914098025, ClinGen allele CA403589009.
Genomic context (GRCh38, chr19:6,495,421, plus strand): 5'-GCTTGAACAGCTCCTGGATGGCCGTGCTGTTGCCGATGAAGGTCGCGGCCATCTTCAGGC[C>G]GCGGGGCGGGATGTCGCACACGGCCGTCTTCACGTTGTTGGGGATCCACTCCACGAAGTA-3'
Protein context (NP_006078.2, residues 350-370): KTAVCDIPPR[Gly360Arg]LKMAATFIGN

ClinVar aggregate classification (germline): Uncertain significance (1 of 4 stars; one submission).

Conditions:
Leukodystrophy, hypomyelinating, 6. Also called: LEUKODYSTROPHY, HYPOMYELINATING, WITH ATROPHY OF THE BASAL GANGLIA AND CEREBELLUM; TUBB4A-Associated Leukodystrophy; Hypomyelination with Atrophy of Basal Ganglia and Cerebellum (H-ABC). Identifiers: Orphanet 139441, MedGen C2676244, MONDO:0012905, OMIM 612438.

Submission:

Labcorp Genetics (formerly Invitae), Labcorp
Classification: Uncertain significance for Leukodystrophy, hypomyelinating, 6. Last evaluated: 2023-02-22. Review status: criteria provided, single submitter. Criteria: Invitae Variant Classification Sherloc (09022015). Collection method: clinical testing. Allele origin: germline.
Comment: This variant is not present in population databases (gnomAD no frequency). This sequence change replaces glycine, which is neutral and non-polar, with arginine, which is basic and polar, at codon 360 of the TUBB4A protein (p.Gly360Arg). This variant has not been reported in the literature in individuals affected with TUBB4A-related conditions. Advanced modeling of protein sequence and biophysical properties (such as structural, functional, and spatial information, amino acid conservation, physicochemical variation, residue mobility, and thermodynamic stability) performed at Invitae indicates that this missense variant is expected to disrupt TUBB4A protein function. In summary, the available evidence is currently insufficient to determine the role of this variant in disease. Therefore, it has been classified as a Variant of Uncertain Significance.